The following is an entry in ClinVar:

ClinVar aggregate classification (germline): Uncertain significance. Review status: criteria provided, multiple submitters, no conflicts (2 of 4 stars). 6 submissions from 6 submitters: Uncertain significance (5). 1 of the submissions does not count toward it. Last evaluated 2025-07-19.

Conditions:
Cystic fibrosis (CF). Also called: MUCOVISCIDOSIS. Identifiers: Orphanet 586, MedGen C0010674, MONDO:0009061, OMIM 219700. Disease mechanism: loss of function.

Allele frequency attached by ClinVar (database versions not stated): gnomAD 0.00001.
gnomAD v4.1: 1 of 1,611,962 alleles (0.000062%); highest among the groups gnomAD compares: African/African-American, 0.0013%; no homozygotes.

Submissions (6):

Labcorp Genetics (formerly Invitae), Labcorp
Classification: Uncertain significance for Cystic fibrosis. Last evaluated: 2025-07-19. Review status: criteria provided, single submitter. Criteria: Invitae Variant Classification Sherloc (09022015). Collection method: clinical testing. Allele origin: germline.
Comment: This sequence change replaces valine, which is neutral and non-polar, with methionine, which is neutral and non-polar, at codon 1001 of the CFTR protein (p.Val1001Met). This variant is not present in population databases (gnomAD no frequency). This variant has not been reported in the literature in individuals affected with CFTR-related conditions. ClinVar contains an entry for this variant (Variation ID: 598648). Invitae Evidence Modeling of protein sequence and biophysical properties (such as structural, functional, and spatial information, amino acid conservation, physicochemical variation, residue mobility, and thermodynamic stability) indicates that this missense variant is expected to disrupt CFTR protein function with a positive predictive value of 80%. In summary, the available evidence is currently insufficient to determine the role of this variant in disease. Therefore, it has been classified as a Variant of Uncertain Significance.

Ambry Genetics
Classification: Uncertain significance for Cystic fibrosis. Last evaluated: 2025-03-21. Review status: criteria provided, single submitter. Criteria: Ambry Variant Classification Scheme 2023. Collection method: clinical testing. Allele origin: germline.
Comment: The p.V1001M variant (also known as c.3001G>A), located in coding exon 19 of the CFTR gene, results from a G to A substitution at nucleotide position 3001. The valine at codon 1001 is replaced by methionine, an amino acid with highly similar properties. This amino acid position is highly conserved in available vertebrate species. In addition, this alteration is predicted to be deleterious by in silico analysis. Based on the available evidence, the clinical significance of this variant remains unclear.

Genome-Nilou Lab
Classification: Uncertain significance for Cystic fibrosis. Last evaluated: 2021-09-05. Review status: criteria provided, single submitter. Criteria: ACMG Guidelines, 2015. Collection method: clinical testing. Allele origin: germline. Affected: no.

Mendelics
Classification: Uncertain significance for Cystic fibrosis. Last evaluated: 2018-11-05. Review status: criteria provided, single submitter. Criteria: Mendelics Assertion Criteria 2017. Collection method: clinical testing. Allele origin: unknown. Affected: yes.

Eurofins Ntd Llc (ga)
Classification: Uncertain significance. Last evaluated: 2018-09-06. Review status: criteria provided, single submitter. Criteria: EGL ClinVar v180209 classification definitions. Collection method: clinical testing. Allele origin: germline. Observed: 1 variant allele, 1 heterozygote.

Natera, Inc.
Classification: Uncertain significance for Cystic Fibrosis. Last evaluated: 2020-09-16. Review status: no assertion criteria provided. Collection method: clinical testing. Allele origin: germline. Not counted in ClinVar's aggregate classification.

NM_000492.4(CFTR):c.3001G>A (p.Val1001Met)

Genes: CFTR (CF transmembrane conductance regulator; plus strand), CFTR-AS2 (CFTR antisense RNA 2; minus strand), LOC111674472 (DNase I hypersensitive sites in introns 16 and 17a of CFTR; plus strand). Cytogenetic location: 7q31.2.
Variant type: single nucleotide variant.
Coding change: c.3001G>A on transcript NM_000492.4 (MANE Select); coding-DNA position 3001, G replaced by A.
Protein change: p.Val1001Met; replaces valine 1001 with methionine.
Molecular consequence: missense variant.
Genome position (GRCh38, 1-based): chr7:117,610,531, G>A. VCF-style: chr7-117610531-G-A. GRCh37 (hg19) VCF-style: chr7-117250585-G-A.
Other names: short protein forms V1001M.
Identifiers: ClinVar variation 598648 (VCV000598648.19), dbSNP rs193922731, ClinGen allele CA164965069.